The following is an entry in ClinVar:

NM_007194.4(CHEK2):c.885A>T (p.Glu295Asp)

Gene: CHEK2 (checkpoint kinase 2; minus strand). Cytogenetic location: 22q12.1.
Variant type: single nucleotide variant.
Coding change: c.885A>T on transcript NM_007194.4 (MANE Select); coding-DNA position 885, A replaced by T.
Protein change: p.Glu295Asp; replaces glutamic acid 295 with aspartic acid.
Molecular consequence: missense variant.
Genome position (GRCh38, 1-based): chr22:28,703,528, T>A on the plus strand (A>T on the coding strand, the complement: CHEK2 is on the minus strand). VCF-style: chr22-28703528-T-A. GRCh37 (hg19) VCF-style: chr22-29099516-T-A.
Other names: c.1014A>T, p.Glu338Asp (NM_001005735.3); c.222A>T, p.Glu74Asp (NM_001257387.3); c.684A>T, p.Glu228Asp (NM_001349956.3); c.885A>T, p.Glu295Asp (NM_145862.3); short protein forms E228D, E295D, E74D, E338D.
Identifiers: ClinVar variation 822778 (VCV000822778.17), dbSNP rs1555916935, ClinGen allele CA411101072.

ClinVar aggregate classification (germline): Uncertain significance. Review status: criteria provided, multiple submitters, no conflicts (2 of 4 stars). 3 submissions from 3 submitters: Uncertain significance (3). Last evaluated 2025-12-01.

Conditions:
Familial cancer of breast. Also called: BREAST CANCER, FAMILIAL; Hereditary breast cancer; hereditary breast carcinoma. Identifiers: Orphanet 227535, MedGen C0346153, MONDO:0016419, OMIM 114480. Disease mechanism: loss of function.
Hereditary cancer-predisposing syndrome. Also called: Tumor predisposition; Hereditary Cancer Syndrome; Neoplastic Syndromes, Hereditary; Hereditary neoplastic syndrome. Identifiers: Orphanet 140162, MedGen C0027672, MeSH D009386, MONDO:0015356.

Submissions (3):

Ambry Genetics
Classification: Uncertain significance for Hereditary cancer-predisposing syndrome. Last evaluated: 2025-12-01. Review status: criteria provided, single submitter. Criteria: Ambry Variant Classification Scheme 2023. Collection method: clinical testing. Allele origin: germline.
Comment: The p.E295D variant (also known as c.885A>T), located in coding exon 7 of the CHEK2 gene, results from an A to T substitution at nucleotide position 885. The glutamic acid at codon 295 is replaced by aspartic acid, an amino acid with highly similar properties. This nucleotide position is highly conserved in available vertebrate species. This amino acid position is highly conserved in available vertebrate species. In silico splice site analysis predicts that this alteration may weaken the native splice donor site. A minigene study demonstrated that this alteration results in an incomplete splice defect; the clinical impact of this abnormal splicing is unknown at this time (Sanoguera-Miralles L et al. J Pathol. 2024 Apr;262(4):395-409). In addition, as a missense, the in silico prediction for this alteration is inconclusive. Based on the available evidence, the clinical significance of this variant remains unclear.

Labcorp Genetics (formerly Invitae), Labcorp
Classification: Uncertain significance for Familial cancer of breast. Last evaluated: 2024-10-09. Review status: criteria provided, single submitter. Criteria: Invitae Variant Classification Sherloc (09022015). Collection method: clinical testing. Allele origin: germline.
Comment: This sequence change replaces glutamic acid, which is acidic and polar, with aspartic acid, which is acidic and polar, at codon 295 of the CHEK2 protein (p.Glu295Asp). This variant is not present in population databases (gnomAD no frequency). This variant has not been reported in the literature in individuals affected with CHEK2-related conditions. ClinVar contains an entry for this variant (Variation ID: 822778). An algorithm developed to predict the effect of missense changes on protein structure and function (PolyPhen-2) suggests that this variant is likely to be tolerated. In summary, the available evidence is currently insufficient to determine the role of this variant in disease. Therefore, it has been classified as a Variant of Uncertain Significance.

Baylor Genetics
Classification: Uncertain significance for Familial cancer of breast. Last evaluated: 2023-09-05. Review status: criteria provided, single submitter. Criteria: ACMG Guidelines, 2015. Collection method: clinical testing. Allele origin: unknown.

Literature cited by the submitters: PubMed 38332730 (cited by Ambry Genetics).